The following continues an entry in ClinVar:

NM_025233.7(COASY):c.1486-5C>G

Gene: COASY. ClinVar aggregate classification (germline): Benign. Benign (4).

Submissions 31 to 70 of 70:

Dr. Peter K. Rogan Lab, Western University
No classification provided (evidence only). Condition: Nonpapillary renal cell carcinoma. Review status: no classification provided. Collection method: in vitro. Allele origin: not applicable. Functional consequence: retained intron. Not counted in ClinVar's aggregate classification.

Dr. Peter K. Rogan Lab, Western University
No classification provided (evidence only). Condition: Nonpapillary renal cell carcinoma. Review status: no classification provided. Collection method: in vitro. Allele origin: not applicable. Functional consequence: retained intron. Not counted in ClinVar's aggregate classification.

Dr. Peter K. Rogan Lab, Western University
No classification provided (evidence only). Condition: Nonpapillary renal cell carcinoma. Review status: no classification provided. Collection method: in vitro. Allele origin: not applicable. Functional consequence: retained intron. Not counted in ClinVar's aggregate classification.

Dr. Peter K. Rogan Lab, Western University
No classification provided (evidence only). Condition: Nonpapillary renal cell carcinoma. Review status: no classification provided. Collection method: in vitro. Allele origin: not applicable. Functional consequence: retained intron. Not counted in ClinVar's aggregate classification.

Dr. Peter K. Rogan Lab, Western University
No classification provided (evidence only). Condition: Nonpapillary renal cell carcinoma. Review status: no classification provided. Collection method: in vitro. Allele origin: not applicable. Functional consequence: retained intron. Not counted in ClinVar's aggregate classification.

Dr. Peter K. Rogan Lab, Western University
No classification provided (evidence only). Condition: Nonpapillary renal cell carcinoma. Review status: no classification provided. Collection method: in vitro. Allele origin: not applicable. Functional consequence: retained intron. Not counted in ClinVar's aggregate classification.

Dr. Peter K. Rogan Lab, Western University
No classification provided (evidence only). Condition: Thymoma. Review status: no classification provided. Collection method: in vitro. Allele origin: not applicable. Functional consequence: retained intron. Not counted in ClinVar's aggregate classification.

Dr. Peter K. Rogan Lab, Western University
No classification provided (evidence only). Condition: Thymoma. Review status: no classification provided. Collection method: in vitro. Allele origin: not applicable. Functional consequence: retained intron. Not counted in ClinVar's aggregate classification.

Dr. Peter K. Rogan Lab, Western University
No classification provided (evidence only). Condition: Thymoma. Review status: no classification provided. Collection method: in vitro. Allele origin: not applicable. Functional consequence: retained intron. Not counted in ClinVar's aggregate classification.

Dr. Peter K. Rogan Lab, Western University
No classification provided (evidence only). Condition: Thymoma. Review status: no classification provided. Collection method: in vitro. Allele origin: not applicable. Functional consequence: retained intron. Not counted in ClinVar's aggregate classification.

Dr. Peter K. Rogan Lab, Western University
No classification provided (evidence only). Condition: Thymoma. Review status: no classification provided. Collection method: in vitro. Allele origin: not applicable. Functional consequence: retained intron. Not counted in ClinVar's aggregate classification.

Dr. Peter K. Rogan Lab, Western University
No classification provided (evidence only). Condition: Thymoma. Review status: no classification provided. Collection method: in vitro. Allele origin: not applicable. Functional consequence: retained intron. Not counted in ClinVar's aggregate classification.

Dr. Peter K. Rogan Lab, Western University
No classification provided (evidence only). Condition: Thymoma. Review status: no classification provided. Collection method: in vitro. Allele origin: not applicable. Functional consequence: retained intron. Not counted in ClinVar's aggregate classification.

Dr. Peter K. Rogan Lab, Western University
No classification provided (evidence only). Condition: Thymoma. Review status: no classification provided. Collection method: in vitro. Allele origin: not applicable. Functional consequence: retained intron. Not counted in ClinVar's aggregate classification.

Dr. Peter K. Rogan Lab, Western University
No classification provided (evidence only). Condition: Thymoma. Review status: no classification provided. Collection method: in vitro. Allele origin: not applicable. Functional consequence: retained intron. Not counted in ClinVar's aggregate classification.

Dr. Peter K. Rogan Lab, Western University
No classification provided (evidence only). Condition: Thymoma. Review status: no classification provided. Collection method: in vitro. Allele origin: not applicable. Functional consequence: retained intron. Not counted in ClinVar's aggregate classification.

Dr. Peter K. Rogan Lab, Western University
No classification provided (evidence only). Condition: Thymoma. Review status: no classification provided. Collection method: in vitro. Allele origin: not applicable. Functional consequence: retained intron. Not counted in ClinVar's aggregate classification.

Dr. Peter K. Rogan Lab, Western University
No classification provided (evidence only). Condition: Thymoma. Review status: no classification provided. Collection method: in vitro. Allele origin: not applicable. Functional consequence: retained intron. Not counted in ClinVar's aggregate classification.

Dr. Peter K. Rogan Lab, Western University
No classification provided (evidence only). Condition: Thymoma. Review status: no classification provided. Collection method: in vitro. Allele origin: not applicable. Functional consequence: retained intron. Not counted in ClinVar's aggregate classification.

Dr. Peter K. Rogan Lab, Western University
No classification provided (evidence only). Condition: Thymoma. Review status: no classification provided. Collection method: in vitro. Allele origin: not applicable. Functional consequence: retained intron. Not counted in ClinVar's aggregate classification.

Dr. Peter K. Rogan Lab, Western University
No classification provided (evidence only). Condition: Thymoma. Review status: no classification provided. Collection method: in vitro. Allele origin: not applicable. Functional consequence: retained intron. Not counted in ClinVar's aggregate classification.

Dr. Peter K. Rogan Lab, Western University
No classification provided (evidence only). Condition: Cholangiocarcinoma. Review status: no classification provided. Collection method: in vitro. Allele origin: not applicable. Functional consequence: retained intron. Not counted in ClinVar's aggregate classification.

Dr. Peter K. Rogan Lab, Western University
No classification provided (evidence only). Condition: Cholangiocarcinoma. Review status: no classification provided. Collection method: in vitro. Allele origin: not applicable. Functional consequence: retained intron. Not counted in ClinVar's aggregate classification.

Dr. Peter K. Rogan Lab, Western University
No classification provided (evidence only). Condition: Cholangiocarcinoma. Review status: no classification provided. Collection method: in vitro. Allele origin: not applicable. Functional consequence: retained intron. Not counted in ClinVar's aggregate classification.

Dr. Peter K. Rogan Lab, Western University
No classification provided (evidence only). Condition: Cholangiocarcinoma. Review status: no classification provided. Collection method: in vitro. Allele origin: not applicable. Functional consequence: retained intron. Not counted in ClinVar's aggregate classification.

Dr. Peter K. Rogan Lab, Western University
No classification provided (evidence only). Condition: Cholangiocarcinoma. Review status: no classification provided. Collection method: in vitro. Allele origin: not applicable. Functional consequence: retained intron. Not counted in ClinVar's aggregate classification.

Dr. Peter K. Rogan Lab, Western University
No classification provided (evidence only). Condition: Adrenocortical carcinoma, hereditary. Review status: no classification provided. Collection method: in vitro. Allele origin: not applicable. Functional consequence: retained intron. Not counted in ClinVar's aggregate classification.

Dr. Peter K. Rogan Lab, Western University
No classification provided (evidence only). Condition: Adrenocortical carcinoma, hereditary. Review status: no classification provided. Collection method: in vitro. Allele origin: not applicable. Functional consequence: retained intron. Not counted in ClinVar's aggregate classification.

Dr. Peter K. Rogan Lab, Western University
No classification provided (evidence only). Condition: Adrenocortical carcinoma, hereditary. Review status: no classification provided. Collection method: in vitro. Allele origin: not applicable. Functional consequence: retained intron. Not counted in ClinVar's aggregate classification.

Dr. Peter K. Rogan Lab, Western University
No classification provided (evidence only). Condition: Adrenocortical carcinoma, hereditary. Review status: no classification provided. Collection method: in vitro. Allele origin: not applicable. Functional consequence: retained intron. Not counted in ClinVar's aggregate classification.

Dr. Peter K. Rogan Lab, Western University
No classification provided (evidence only). Condition: Uterine carcinosarcoma. Review status: no classification provided. Collection method: in vitro. Allele origin: not applicable. Functional consequence: retained intron. Not counted in ClinVar's aggregate classification.

Dr. Peter K. Rogan Lab, Western University
No classification provided (evidence only). Condition: Uterine carcinosarcoma. Review status: no classification provided. Collection method: in vitro. Allele origin: not applicable. Functional consequence: retained intron. Not counted in ClinVar's aggregate classification.

Dr. Peter K. Rogan Lab, Western University
No classification provided (evidence only). Condition: Uterine carcinosarcoma. Review status: no classification provided. Collection method: in vitro. Allele origin: not applicable. Functional consequence: retained intron. Not counted in ClinVar's aggregate classification.

Dr. Peter K. Rogan Lab, Western University
No classification provided (evidence only). Condition: Uterine carcinosarcoma. Review status: no classification provided. Collection method: in vitro. Allele origin: not applicable. Functional consequence: retained intron. Not counted in ClinVar's aggregate classification.

Dr. Peter K. Rogan Lab, Western University
No classification provided (evidence only). Condition: Uveal melanoma. Review status: no classification provided. Collection method: in vitro. Allele origin: not applicable. Functional consequence: retained intron. Not counted in ClinVar's aggregate classification.

Dr. Peter K. Rogan Lab, Western University
No classification provided (evidence only). Condition: Uveal melanoma. Review status: no classification provided. Collection method: in vitro. Allele origin: not applicable. Functional consequence: retained intron. Not counted in ClinVar's aggregate classification.

Dr. Peter K. Rogan Lab, Western University
No classification provided (evidence only). Condition: Uveal melanoma. Review status: no classification provided. Collection method: in vitro. Allele origin: not applicable. Functional consequence: retained intron. Not counted in ClinVar's aggregate classification.

Dr. Peter K. Rogan Lab, Western University
No classification provided (evidence only). Condition: Uveal melanoma. Review status: no classification provided. Collection method: in vitro. Allele origin: not applicable. Functional consequence: retained intron. Not counted in ClinVar's aggregate classification.

Dr. Peter K. Rogan Lab, Western University
No classification provided (evidence only). Condition: Uveal melanoma. Review status: no classification provided. Collection method: in vitro. Allele origin: not applicable. Functional consequence: retained intron. Not counted in ClinVar's aggregate classification.

Genome Diagnostics Laboratory, Amsterdam University Medical Center
Classification: Likely benign. Review status: no assertion criteria provided. Collection method: clinical testing. Allele origin: germline. Affected: yes. Study: VKGL Data-share Consensus. Not counted in ClinVar's aggregate classification.